The following is an entry in ClinVar:

NM_006440.5(TXNRD2):c.449+3A>G

Gene: TXNRD2 (thioredoxin reductase 2; minus strand). Cytogenetic location: 22q11.21.
Variant type: single nucleotide variant.
Coding change: c.449+3A>G on transcript NM_006440.5 (MANE Select); 3 bases into the intron after coding-DNA position 449, A replaced by G.
Molecular consequence: intron variant.
Genome position (GRCh38, 1-based): chr22:19,918,140, T>C on the plus strand (A>G on the coding strand, the complement: TXNRD2 is on the minus strand). VCF-style: chr22-19918140-T-C. GRCh37 (hg19) VCF-style: chr22-19905663-T-C.
Other names: c.446+3A>G (NM_001352300.2); c.161+3A>G (NM_001352302.2); c.359+3A>G (NM_001352301.2); c.449+3A>G (NM_001282512.3); c.353+3A>G (NM_001352303.2).
Identifiers: ClinVar variation 947353 (VCV000947353.8), dbSNP rs754205571, ClinGen allele CA1139666946.

ClinVar aggregate classification (germline): Uncertain significance (1 of 4 stars; one submission).

Conditions:
Primary dilated cardiomyopathy (DCM). Also called: Dilated Cardiomyopathy. Identifiers: Orphanet 217604, MedGen C0007193, MeSH D002311, MONDO:0005021, HP:0001644. Inheritance: Various modes of inheritance.

Submission:

Labcorp Genetics (formerly Invitae), Labcorp
Classification: Uncertain significance for Primary dilated cardiomyopathy. Last evaluated: 2019-07-19. Review status: criteria provided, single submitter. Criteria: Invitae Variant Classification Sherloc (09022015). Collection method: clinical testing. Allele origin: germline.
Comment: In summary, the available evidence is currently insufficient to determine the role of this variant in disease. Therefore, it has been classified as a Variant of Uncertain Significance. Nucleotide substitutions within the consensus splice site are a relatively common cause of aberrant splicing (PMID: 17576681, 9536098). Algorithms developed to predict the effect of sequence changes on RNA splicing suggest that this variant may disrupt the consensus splice site, but this prediction has not been confirmed by published transcriptional studies. This variant has not been reported in the literature in individuals with TXNRD2-related conditions. This variant is not present in population databases (ExAC no frequency). This sequence change falls in intron 5 of the TXNRD2 gene. It does not directly change the encoded amino acid sequence of the TXNRD2 protein, but it affects a nucleotide within the consensus splice site of the intron.

Literature cited by the submitters: PubMed 17576681; PubMed 9536098.